The following is an entry in ClinVar:

ClinVar aggregate classification (germline): Uncertain significance (1 of 4 stars; one submission).

Conditions:
Neurofibromatosis, type 1 (NF1). Also called: VON RECKLINGHAUSEN DISEASE; Peripheral type neurofibromatosis; NEUROFIBROMATOSIS, TYPE I, SOMATIC; Neurofibromatosis, type I. Identifiers: Orphanet 636, MedGen C0027831, MONDO:0018975, OMIM 162200. Disease mechanism: loss of function.

Submission:

Labcorp Genetics (formerly Invitae), Labcorp
Classification: Uncertain significance for Neurofibromatosis, type 1. Last evaluated: 2024-06-13. Review status: criteria provided, single submitter. Criteria: Invitae Variant Classification Sherloc (09022015). Collection method: clinical testing. Allele origin: germline.
Comment: This sequence change replaces arginine, which is basic and polar, with proline, which is neutral and non-polar, at codon 765 of the NF1 protein (p.Arg765Pro). This variant is not present in population databases (gnomAD no frequency). This variant has not been reported in the literature in individuals affected with NF1-related conditions. Advanced modeling of protein sequence and biophysical properties (such as structural, functional, and spatial information, amino acid conservation, physicochemical variation, residue mobility, and thermodynamic stability) performed at Invitae indicates that this missense variant is expected to disrupt NF1 protein function with a positive predictive value of 95%. In summary, the available evidence is currently insufficient to determine the role of this variant in disease. Therefore, it has been classified as a Variant of Uncertain Significance.

NM_001042492.3(NF1):c.2294G>C (p.Arg765Pro)

Gene: NF1 (neurofibromin 1; plus strand). Cytogenetic location: 17q11.2.
Variant type: single nucleotide variant.
Coding change: c.2294G>C on transcript NM_001042492.3 (MANE Select); coding-DNA position 2294, G replaced by C.
Protein change: p.Arg765Pro; replaces arginine 765 with proline.
Molecular consequence: missense variant.
Genome position (GRCh38, 1-based): chr17:31,227,260, G>C. VCF-style: chr17-31227260-G-C. GRCh37 (hg19) VCF-style: chr17-29554278-G-C.
Other names: c.2294G>C, p.Arg765Pro (NM_000267.4); short protein forms R765P.
Identifiers: ClinVar variation 3634510 (VCV003634510.2).